The following is an entry in ClinVar:

ClinVar aggregate classification (germline): Likely pathogenic (1 of 4 stars; one submission).

Conditions:
Retinal dystrophy. Also called: Inherited retinal dystrophy. Identifiers: Orphanet 71862, MedGen C0854723, MeSH D058499, MONDO:0019118, HP:0000556.

Submission:

Ophthalmic Genetics Group, Institute of Molecular and Clinical Ophthalmology Basel
Classification: Likely pathogenic for Retinal dystrophy. Last evaluated: 2024-05-27. Review status: criteria provided, single submitter. Criteria: ACMG Guidelines, 2015. Collection method: research. Allele origin: germline. Affected: yes. Observed: 3 variant alleles.
Comment: This variant was classified as Likely pathogenic based on ACMG criteria: PM3_mod, PM2_sup and PP1_strong

Literature cited by the submitters: PubMed 40180963.

NM_020184.4(CNNM4):c.2147A>G (p.Tyr716Cys)

Gene: CNNM4 (cyclin and CBS domain divalent metal cation transport mediator 4; plus strand). Cytogenetic location: 2q11.2.
Variant type: single nucleotide variant.
Coding change: c.2147A>G on transcript NM_020184.4 (MANE Select); coding-DNA position 2147, A replaced by G.
Protein change: p.Tyr716Cys; replaces tyrosine 716 with cysteine.
Molecular consequence: missense variant.
Genome position (GRCh38, 1-based): chr2:96,809,336, A>G. VCF-style: chr2-96809336-A-G. GRCh37 (hg19) VCF-style: chr2-97475073-A-G.
Other names: NC_000002.11:g.97475073A>G; NP_064569.3:p.(Tyr716Cys); short protein forms Y716C.
Identifiers: ClinVar variation 3381786 (VCV003381786.2).
Genomic context (GRCh38, chr2:96,809,336, plus strand): 5'-CCTCCCAGCCCCTCCCTCCATGAACTCATCCCTTCCTCATGCAGATCACTCGGCAGCAGT[A>G]CCAGAACGGGCTGCTGGCTTCTCGCATGGAGAACAGCCCTCAGTTTCCCATAGACGGGTG-3'
Protein context (NP_064569.3, residues 706-726): LQYIKITRQQ[Tyr716Cys]QNGLLASRME